The following is an entry in ClinVar:

ClinVar aggregate classification (germline): Uncertain significance. Review status: criteria provided, multiple submitters, no conflicts (2 of 4 stars). 3 submissions from 3 submitters: Uncertain significance (3). Last evaluated 2025-10-10.

Conditions:
LAMA2-related muscular dystrophy (LAMA2-RD). Also called: Laminin alpha 2-related dystrophy. Identifiers: MedGen C5679788, MONDO:0100228.

gnomAD v4.1: 1 of 1,613,794 alleles (0.000062%); no homozygotes.

Submissions (3):

Myriad Genetics, Inc.
Classification: Uncertain significance for LAMA2-related muscular dystrophy. Last evaluated: 2025-10-10. Review status: criteria provided, single submitter. Criteria: Myriad Autosomal Dominant, Autosomal Recessive and X-Linked Classification Criteria (2023). Collection method: clinical testing. Allele origin: unknown.
Comment: NM_000426.3(LAMA2):c.3155G>A(S1052N) is a missense variant classified as a variant of uncertain significance in the context of muscular dystrophy, LAMA2-related. S1052N has not been observed in cases with relevant disease. Relevant functional assessments of this variant are not available in the literature. S1052N has not been observed in referenced population frequency databases. In summary, there is insufficient evidence to classify NM_000426.3(LAMA2):c.3155G>A(S1052N) as pathogenic or benign. Please note: this variant was assessed in the context of healthy population screening.

Mayo Clinic Laboratories, Mayo Clinic
Classification: Uncertain significance. Last evaluated: 2025-04-22. Review status: criteria provided, single submitter. Criteria: ACMG Guidelines, 2015. Collection method: clinical testing. Allele origin: germline. Observed: 1 variant allele.
Comment: BP4_moderate, PM2_supporting

Labcorp Genetics (formerly Invitae), Labcorp
Classification: Uncertain significance for LAMA2-related muscular dystrophy. Last evaluated: 2021-08-24. Review status: criteria provided, single submitter. Criteria: Invitae Variant Classification Sherloc (09022015). Collection method: clinical testing. Allele origin: germline.
Comment: This sequence change replaces serine with asparagine at codon 1052 of the LAMA2 protein (p.Ser1052Asn). The serine residue is weakly conserved and there is a small physicochemical difference between serine and asparagine. This variant is not present in population databases (ExAC no frequency). This variant has not been reported in the literature in individuals affected with LAMA2-related conditions. Algorithms developed to predict the effect of missense changes on protein structure and function (SIFT, PolyPhen-2, Align-GVGD) all suggest that this variant is likely to be tolerated. In summary, the available evidence is currently insufficient to determine the role of this variant in disease. Therefore, it has been classified as a Variant of Uncertain Significance.

NM_000426.4(LAMA2):c.3155G>A (p.Ser1052Asn)

Gene: LAMA2 (laminin subunit alpha 2; plus strand). Cytogenetic location: 6q22.33.
Variant type: single nucleotide variant.
Coding change: c.3155G>A on transcript NM_000426.4 (MANE Select); coding-DNA position 3155, G replaced by A.
Protein change: p.Ser1052Asn; replaces serine 1052 with asparagine.
Molecular consequence: missense variant.
Genome position (GRCh38, 1-based): chr6:129,300,853, G>A. VCF-style: chr6-129300853-G-A. GRCh37 (hg19) VCF-style: chr6-129621998-G-A.
Other names: p.Ser1052Asn; c.3155G>A, p.Ser1052Asn (NM_001079823.2); short protein forms S1052N.
Identifiers: ClinVar variation 646184 (VCV000646184.8), dbSNP rs1583447794, ClinGen allele CA365611566.